The following is an entry in ClinVar:

NM_032525.3(TUBB6):c.564G>A (p.Ser188=)

Gene: TUBB6 (tubulin beta 6 class V; plus strand). Cytogenetic location: 18p11.21.
Variant type: single nucleotide variant.
Coding change: c.564G>A on transcript NM_032525.3 (MANE Select); coding-DNA position 564, G replaced by A.
Protein change: p.Ser188=; no amino-acid change (serine 188 retained).
Molecular consequence: synonymous variant. On other transcripts: intron variant (1).
Genome position (GRCh38, 1-based): chr18:12,325,353, G>A. VCF-style: chr18-12325353-G-A. GRCh37 (hg19) VCF-style: chr18-12325352-G-A.
Other names: c.564G>A, p.Ser188= (NM_001303524.1); c.453G>A, p.Ser151= (NM_001303526.2); c.348G>A, p.Ser116= (NM_001303527.2); c.369G>A, p.Ser123= (NM_001303528.2); c.126G>A, p.Ser42= (NM_001303529.3, NM_001303530.3); c.278-3793G>A (NM_001303525.2).
Identifiers: ClinVar variation 3048769 (VCV003048769.2), dbSNP rs117971030, ClinGen allele CA8896051.

ClinVar aggregate classification (germline): Benign (0 of 4 stars; one submission).

Conditions:
TUBB6-related disorder. Also called: TUBB6-related condition.

Allele frequency attached by ClinVar (database versions not stated): ESP Exome Variant Server 0.00008; TOPMed 0.00099; 1000 Genomes Project 30x 0.00219; 1000 Genomes Project 0.00220.
gnomAD v4.1: 962 of 1,614,136 alleles (0.06%); highest among the groups gnomAD compares: East Asian, 1.6%; 9 homozygotes.

Submission:

PreventionGenetics, part of Exact Sciences
Classification: Benign for TUBB6-related condition. Last evaluated: 2019-04-08. Review status: no assertion criteria provided. Collection method: clinical testing. Allele origin: germline.
Comment: This variant is classified as benign based on ACMG/AMP sequence variant interpretation guidelines (Richards et al. 2015 PMID: 25741868, with internal and published modifications).